The following is an entry in ClinVar:

NM_144643.4(SCLT1):c.280G>A (p.Glu94Lys)

Gene: SCLT1 (sodium channel and clathrin linker 1; minus strand). Cytogenetic location: 4q28.2.
Variant type: single nucleotide variant.
Coding change: c.280G>A on transcript NM_144643.4 (MANE Select); coding-DNA position 280, G replaced by A.
Protein change: p.Glu94Lys; replaces glutamic acid 94 with lysine.
Molecular consequence: missense variant.
Genome position (GRCh38, 1-based): chr4:129,039,051, C>T on the plus strand (G>A on the coding strand, the complement: SCLT1 is on the minus strand). VCF-style: chr4-129039051-C-T. GRCh37 (hg19) VCF-style: chr4-129960206-C-T.
Other names: c.280G>A, p.Glu94Lys (NM_001300898.2); short protein forms E94K.
Identifiers: ClinVar variation 1364341 (VCV001364341.6), dbSNP rs2125692300, ClinGen allele CA358186968.

ClinVar aggregate classification (germline): Uncertain significance (1 of 4 stars; one submission).

Allele frequency attached by ClinVar (database versions not stated): gnomAD exomes 0.00001.
gnomAD v4.1: 7 of 1,567,536 alleles (0.00045%); highest among the groups gnomAD compares: Non-Finnish European, 0.00061%; no homozygotes.

Submission:

Labcorp Genetics (formerly Invitae), Labcorp
Classification: Uncertain significance. Last evaluated: 2022-06-20. Review status: criteria provided, single submitter. Criteria: Invitae Variant Classification Sherloc (09022015). Collection method: clinical testing. Allele origin: germline.
Comment: In summary, the available evidence is currently insufficient to determine the role of this variant in disease. Therefore, it has been classified as a Variant of Uncertain Significance. Algorithms developed to predict the effect of missense changes on protein structure and function (SIFT, PolyPhen-2, Align-GVGD) all suggest that this variant is likely to be disruptive. This variant has not been reported in the literature in individuals affected with SCLT1-related conditions. This variant is not present in population databases (gnomAD no frequency). This sequence change replaces glutamic acid, which is acidic and polar, with lysine, which is basic and polar, at codon 94 of the SCLT1 protein (p.Glu94Lys).